The following is an entry in ClinVar:

NM_000441.2(SLC26A4):c.431T>C (p.Val144Ala)

Gene: SLC26A4 (solute carrier family 26 member 4; plus strand). Cytogenetic location: 7q22.3.
Variant type: single nucleotide variant.
Coding change: c.431T>C on transcript NM_000441.2 (MANE Select); coding-DNA position 431, T replaced by C.
Protein change: p.Val144Ala; replaces valine 144 with alanine.
Molecular consequence: missense variant.
Genome position (GRCh38, 1-based): chr7:107,674,179, T>C. VCF-style: chr7-107674179-T-C. GRCh37 (hg19) VCF-style: chr7-107314624-T-C.
Other names: short protein forms V144A.
Identifiers: ClinVar variation 4072715 (VCV004072715.1).

ClinVar aggregate classification (germline): Uncertain significance (1 of 4 stars; one submission).

gnomAD v4.1: 19 of 1,611,658 alleles (0.0012%); highest among the groups gnomAD compares: Non-Finnish European, 0.0015%; no homozygotes.

Submission:

GeneDx
Classification: Uncertain significance. Last evaluated: 2025-02-04. Review status: criteria provided, single submitter. Criteria: GeneDx Variant Classification Process June 2021. Collection method: clinical testing. Allele origin: germline. Affected: yes.
Comment: Reported without a second variant in an individual with hearing loss in published literature (PMID: 20597900); Not observed at significant frequency in large population cohorts (gnomAD); In silico analysis supports that this missense variant has a deleterious effect on protein structure/function; This variant is associated with the following publications: (PMID: 20597900)